The following is an entry in ClinVar:

ClinVar aggregate classification (germline): Uncertain significance (1 of 4 stars; one submission).

Conditions:
Focal segmental glomerulosclerosis 5 (FSGS5). Identifiers: Orphanet 656, MedGen C2750475, MONDO:0013191, OMIM 613237.
Charcot-Marie-Tooth disease dominant intermediate E. Also called: CHARCOT-MARIE-TOOTH NEUROPATHY WITH FOCAL SEGMENTAL GLOMERULONEPHRITIS. Identifiers: Orphanet 93114, MedGen C4302667, MONDO:0013758, OMIM 614455.

gnomAD v4.1: 1 of 1,353,382 alleles (0.000074%); highest among the groups gnomAD compares: Non-Finnish European, 0.0001%; no homozygotes.

Submission:

Labcorp Genetics (formerly Invitae), Labcorp
Classification: Uncertain significance for Charcot-Marie-Tooth disease dominant intermediate E; Focal segmental glomerulosclerosis 5. Last evaluated: 2025-09-23. Review status: criteria provided, single submitter. Criteria: Invitae Variant Classification Sherloc (09022015). Collection method: clinical testing. Allele origin: germline.
Comment: This sequence change replaces proline, which is neutral and non-polar, with leucine, which is neutral and non-polar, at codon 491 of the INF2 protein (p.Pro491Leu). This variant is not present in population databases (gnomAD no frequency). This missense change has been observed in individual(s) with INF2-related conditions (PMID: 30126379). Invitae Evidence Modeling of protein sequence and biophysical properties (such as structural, functional, and spatial information, amino acid conservation, physicochemical variation, residue mobility, and thermodynamic stability) has been performed for this missense variant. However, the output from this modeling did not meet the statistical confidence thresholds required to predict the impact of this variant on INF2 protein function. In summary, the available evidence is currently insufficient to determine the role of this variant in disease. Therefore, it has been classified as a Variant of Uncertain Significance.

Literature cited by the submitters: PubMed 30126379.

NM_022489.4(INF2):c.1472C>T (p.Pro491Leu)

Gene: INF2 (inverted formin 2; plus strand). Cytogenetic location: 14q32.33.
Variant type: single nucleotide variant.
Coding change: c.1472C>T on transcript NM_022489.4 (MANE Select); coding-DNA position 1472, C replaced by T.
Protein change: p.Pro491Leu; replaces proline 491 with leucine.
Molecular consequence: missense variant. On other transcripts: non-coding transcript variant (1).
Genome position (GRCh38, 1-based): chr14:104,707,739, C>T. VCF-style: chr14-104707739-C-T. GRCh37 (hg19) VCF-style: chr14-105174076-C-T.
Other names: c.1472C>T, p.Pro491Leu (NM_001031714.4, NM_001426862.1, NM_001426863.1 and 2 more transcripts); short protein forms P491L.
Identifiers: ClinVar variation 4793648 (VCV004793648.1).